The following is an entry in ClinVar:

ClinVar aggregate classification (germline): Uncertain significance (1 of 4 stars; one submission).

gnomAD v4.1: 1 of 1,597,220 alleles (0.000063%); highest among the groups gnomAD compares: East Asian, 0.0023%; no homozygotes.

Submission:

Ambry Genetics
Classification: Uncertain significance. Last evaluated: 2025-04-25. Review status: criteria provided, single submitter. Criteria: Ambry Variant Classification Scheme 2023. Collection method: clinical testing. Allele origin: germline.
Comment: The p.L2020R variant (also known as c.6059T>G), located in coding exon 24 of the WNK2 gene, results from a T to G substitution at nucleotide position 6059. The leucine at codon 2020 is replaced by arginine, an amino acid with dissimilar properties. This amino acid position is conserved. In addition, this alteration is predicted to be deleterious by in silico analysis. Based on the available evidence, the clinical significance of this variant remains unclear.

NM_006648.4(WNK2):c.6059T>G (p.Leu2020Arg)

Gene: WNK2 (WNK lysine deficient protein kinase 2; plus strand). Cytogenetic location: 9q22.31.
Variant type: single nucleotide variant.
Coding change: c.6059T>G on transcript NM_006648.4 (MANE Select); coding-DNA position 6059, T replaced by G.
Protein change: p.Leu2020Arg; replaces leucine 2020 with arginine.
Molecular consequence: missense variant.
Genome position (GRCh38, 1-based): chr9:93,299,205, T>G. VCF-style: chr9-93299205-T-G. GRCh37 (hg19) VCF-style: chr9-96061487-T-G.
Other names: c.6170T>G, p.Leu2057Arg (NM_001282394.3); short protein forms L2020R, L2057R.
Identifiers: ClinVar variation 3981947 (VCV003981947.1).
Genomic context (GRCh38, chr9:93,299,205, plus strand): 5'-GCACGGGCCTGAGCGGGAAGGCAGTGCAGACCCAGCAGCCCTGCTCCGTCCGGGCCTCCC[T>G]GTCTTCGGACATCTGCTCCGGCTTAGCCAGTGATGGAGGCGGAGCGCGTGGCCAAGGTGA-3'
Protein context (NP_006639.3, residues 2010-2030): TQQPCSVRAS[Leu2020Arg]SSDICSGLAS